The following is an entry in ClinVar:

ClinVar aggregate classification (germline): Conflicting classifications of pathogenicity. Review status: criteria provided, conflicting classifications (1 of 4 stars). 8 submissions from 7 submitters: Uncertain significance (1); Benign (3); Likely benign (2). 2 of the submissions do not count toward it. Last evaluated 2026-02-01.

Conditions:
Proline dehydrogenase deficiency (HYRPRO1). Also called: Hyperprolinemia type 1; PROLINE OXIDASE DEFICIENCY. Identifiers: Orphanet 419, MedGen C0268529, MONDO:0009400, OMIM 239500.
Schizophrenia 4 (SCZD4). Also called: SCHIZOPHRENIA, SUSCEPTIBILITY TO, 4; SCHIZOPHRENIA SUSCEPTIBILITY LOCUS, CHROMOSOME 22q11-RELATED. Identifiers: MedGen C1833247, MONDO:0010943, OMIM 600850.

Allele frequency attached by ClinVar (database versions not stated): gnomAD exomes 0.01084 and 0.01234; ExAC 0.01221; gnomAD 0.01765; TOPMed 0.02200; 1000 Genomes Project 0.02276.

Submissions (8):

Labcorp Genetics (formerly Invitae), Labcorp
Classification: Benign for Proline dehydrogenase deficiency. Last evaluated: 2026-02-01. Review status: criteria provided, single submitter. Criteria: Invitae Variant Classification Sherloc (09022015). Collection method: clinical testing. Allele origin: germline.

Dasa
Classification: Benign. Last evaluated: 2025-12-02. Review status: criteria provided, single submitter. Criteria: DASA Assertion Criteria. Collection method: clinical testing. Allele origin: germline.
Comment: NM_016335.6(PRODH):c.1357C>T (p.Arg453Cys) is a missense variant that results in the substitution of arginine with cysteine. Population frequency is inconsistent with a disease-causing role for this variant, and observations in unaffected individuals support a benign interpretation. Therefore, based on the currently available evidence, this variant is classified as benign.

Blueprint Genetics
Classification: Likely benign. Last evaluated: 2024-11-28. Review status: criteria provided, single submitter. Criteria: ACMG Guidelines, 2015. Collection method: clinical testing. Allele origin: germline.

Department of Pathology and Laboratory Medicine, Sinai Health System
Classification: Uncertain significance for Schizophrenia 4; Proline dehydrogenase deficiency. Last evaluated: 2023-02-24. Review status: criteria provided, single submitter. Criteria: ACMG Guidelines, 2015. Collection method: research. Allele origin: germline.

Institute for Genomic Medicine (IGM) Clinical Laboratory, Nationwide Children's Hospital
Classification: Likely benign. Last evaluated: 2017-04-18. Review status: criteria provided, single submitter. Criteria: ACMG Guidelines, 2015. Collection method: clinical testing. Allele origin: germline.
Comment: BS1, BP6; This alteration has an allele frequency that is greater than expected for the associated disease, and was reported as a benign/likely benign alteration by a reputable source (ClinVar or other correspondence from a clinical testing laboratory).

Laboratory for Molecular Medicine, Mass General Brigham Personalized Medicine
Classification: Benign. Last evaluated: 2016-03-29. Review status: criteria provided, single submitter. Criteria: LMM Criteria. Collection method: clinical testing. Allele origin: germline.
Comment: Variant identified in a genome or exome case(s) and assessed due to predicted null impact of the variant or pathogenic assertions in the literature or databases. Disclaimer: This variant has not undergone full assessment. The following are preliminary notes: 3% in African population, >1% in most other populations. In addition, no clearly associated clinical manifestations

OMIM
Classification: Pathogenic for HYPERPROLINEMIA, TYPE I. Last evaluated: 2005-03-01. Review status: no assertion criteria provided. Collection method: literature only. Allele origin: germline. Not counted in ClinVar's aggregate classification.

OMIM
Classification: risk factor for SCHIZOPHRENIA, SUSCEPTIBILITY TO, 4. Last evaluated: 2005-03-01. Review status: no assertion criteria provided. Collection method: literature only. Allele origin: germline. Not counted in ClinVar's aggregate classification.

Literature cited by the submitters: PubMed 12217952 (cited by OMIM); PubMed 11510941 (cited by OMIM); PubMed 15662599 (cited by OMIM).

NM_016335.6(PRODH):c.1357C>T (p.Arg453Cys)

Gene: PRODH (proline dehydrogenase 1; minus strand). Cytogenetic location: 22q11.21.
Variant type: single nucleotide variant.
Coding change: c.1357C>T on transcript NM_016335.6 (MANE Select); coding-DNA position 1357, C replaced by T.
Protein change: p.Arg453Cys; replaces arginine 453 with cysteine.
Molecular consequence: missense variant.
Genome position (GRCh38, 1-based): chr22:18,918,386, G>A on the plus strand (C>T on the coding strand, the complement: PRODH is on the minus strand). VCF-style: chr22-18918386-G-A. GRCh37 (hg19) VCF-style: chr22-18905899-G-A.
Other names: c.1033C>T, p.Arg345Cys (NM_001195226.2); short protein forms R453C, R345C.
Identifiers: ClinVar variation 4006 (VCV000004006.21), dbSNP rs3970559, ClinGen allele CA116570.
Genomic context (GRCh38, chr22:18,918,386, plus strand): 5'-TGGCGTTGGTGGCCTCGTACGTGGGGTTGATGGGGTCCTCATAGCCGATCTCTGCCGCAC[G>A]GGCTCGCTCCTGGGCCAGGTATGCGCCCCGCACCAGCTTGGCCCCAAAACACCAGCCCTC-3'
Protein context (NP_057419.5, residues 443-463): RGAYLAQERA[Arg453Cys]AAEIGYEDPI